The following is an entry in ClinVar:

NM_017775.4(TTC19):c.184+11C>G

Genes: TTC19 (tetratricopeptide repeat domain 19; plus strand), LOC130060311 (ATAC-STARR-seq lymphoblastoid silent region 8214; plus strand). Cytogenetic location: 17p12.
Variant type: single nucleotide variant.
Coding change: c.184+11C>G on transcript NM_017775.4 (MANE Select); 11 bases into the intron after coding-DNA position 184, C replaced by G.
Molecular consequence: intron variant.
Genome position (GRCh38, 1-based): chr17:16,000,043, C>G. VCF-style: chr17-16000043-C-G. GRCh37 (hg19) VCF-style: chr17-15903357-C-G.
Other names: c.-275+11C>G (NM_001271420.2).
Identifiers: ClinVar variation 506556 (VCV000506556.9), dbSNP rs913641566, ClinGen allele CA288187860.
Genomic context (GRCh38, chr17:16,000,043, plus strand): 5'-CCGAGTCGCGCCGCACGGCCGGGGCCCAGGCCTGCTGCCGCTGCTGGCAGGTGAGGGGCG[C>G]GGGCCGGGCGGGGCCGGCCGGGCGGGGACAGGGGCGCGGGCCGGGCCCGATGACCTCAGA-3'

ClinVar aggregate classification (germline): Likely benign. Review status: criteria provided, multiple submitters, no conflicts (2 of 4 stars). 2 submissions from 2 submitters: Likely benign (2). Last evaluated 2025-01-02.

Allele frequency attached by ClinVar (database versions not stated): gnomAD 0.00011 and 0.00012; 1000 Genomes Project 30x 0.00016; TOPMed 0.00018.
gnomAD v4.1: 26 of 1,262,364 alleles (0.0021%); highest among the groups gnomAD compares: African/African-American, 0.039%; no homozygotes.

Submissions (2):

Labcorp Genetics (formerly Invitae), Labcorp
Classification: Likely benign. Last evaluated: 2025-01-02. Review status: criteria provided, single submitter. Criteria: Invitae Variant Classification Sherloc (09022015). Collection method: clinical testing. Allele origin: germline.

GeneDx
Classification: Likely benign. Last evaluated: 2018-01-23. Review status: criteria provided, single submitter. Criteria: GeneDx Variant Classification (06012015). Collection method: clinical testing. Allele origin: germline. Affected: yes.
Comment: This variant is considered likely benign or benign based on one or more of the following criteria: it is a conservative change, it occurs at a poorly conserved position in the protein, it is predicted to be benign by multiple in silico algorithms, and/or has population frequency not consistent with disease.